The following is an entry in ClinVar:

NM_006204.4(PDE6C):c.1765G>T (p.Asp589Tyr)

Gene: PDE6C (phosphodiesterase 6C; plus strand). Cytogenetic location: 10q23.33.
Variant type: single nucleotide variant.
Coding change: c.1765G>T on transcript NM_006204.4 (MANE Select); coding-DNA position 1765, G replaced by T.
Protein change: p.Asp589Tyr; replaces aspartic acid 589 with tyrosine.
Molecular consequence: missense variant.
Genome position (GRCh38, 1-based): chr10:93,640,947, G>T. VCF-style: chr10-93640947-G-T. GRCh37 (hg19) VCF-style: chr10-95400704-G-T.
Other names: short protein forms D589Y.
Identifiers: ClinVar variation 939342 (VCV000939342.9), dbSNP rs2058556721, ClinGen allele CA377619071.

ClinVar aggregate classification (germline): Uncertain significance (1 of 4 stars; one submission).

Submission:

Labcorp Genetics (formerly Invitae), Labcorp
Classification: Uncertain significance. Last evaluated: 2019-08-27. Review status: criteria provided, single submitter. Criteria: Invitae Variant Classification Sherloc (09022015). Collection method: clinical testing. Allele origin: germline.
Comment: This variant is not present in population databases (ExAC no frequency). This sequence change replaces aspartic acid with tyrosine at codon 589 of the PDE6C protein (p.Asp589Tyr). The aspartic acid residue is highly conserved and there is a large physicochemical difference between aspartic acid and tyrosine. This variant has not been reported in the literature in individuals with PDE6C-related conditions. Algorithms developed to predict the effect of missense changes on protein structure and function are either unavailable or do not agree on the potential impact of this missense change (SIFT: "Deleterious"; PolyPhen-2: "Probably Damaging"; Align-GVGD: "Class C15"). In summary, the available evidence is currently insufficient to determine the role of this variant in disease. Therefore, it has been classified as a Variant of Uncertain Significance.